The following is an entry in ClinVar:

ClinVar aggregate classification (germline): Uncertain significance. Review status: criteria provided, multiple submitters, no conflicts (2 of 4 stars). 2 submissions from 2 submitters: Uncertain significance (2). Last evaluated 2023-06-12.

Conditions:
Cardiovascular phenotype. Identifiers: MedGen CN230736.
Long QT syndrome 10 (LQT10). Identifiers: Orphanet 101016, Orphanet 768, MedGen C2678484, MONDO:0012737, OMIM 611819.

Submissions (2):

Ambry Genetics
Classification: Uncertain significance for Cardiovascular phenotype. Last evaluated: 2023-06-12. Review status: criteria provided, single submitter. Criteria: Ambry Variant Classification Scheme 2023. Collection method: clinical testing. Allele origin: germline.
Comment: The c.636_637dupGA variant, located in coding exon 5 of the SCN4B gene, results from a duplication of GA at nucleotide position 636, causing a translational frameshift with a predicted alternate stop codon (p.N213Rfs*32). This alteration is expected to result in protein truncation. However, loss of function of SCN4B has not been established as a mechanism of disease. The evidence for this gene-disease relationship is limited; therefore, the clinical significance of this alteration is unclear.

Labcorp Genetics (formerly Invitae), Labcorp
Classification: Uncertain significance for Long QT syndrome 10. Last evaluated: 2022-06-28. Review status: criteria provided, single submitter. Criteria: Invitae Variant Classification Sherloc (09022015). Collection method: clinical testing. Allele origin: germline.
Comment: This sequence change results in a frameshift in the SCN4B gene (p.Asn213Argfs*32). While this is not anticipated to result in nonsense mediated decay, it is expected to disrupt the last 16 amino acid(s) of the SCN4B protein and extend the protein by 15 additional amino acid residues. This variant is present in population databases (no rsID available, gnomAD 0.0009%). This variant has not been reported in the literature in individuals affected with SCN4B-related conditions. In summary, the available evidence is currently insufficient to determine the role of this variant in disease. Therefore, it has been classified as a Variant of Uncertain Significance.

NM_174934.4(SCN4B):c.636_637dup (p.Asn213fs)

Gene: SCN4B (sodium voltage-gated channel beta subunit 4; minus strand). Cytogenetic location: 11q23.3.
Variant type: Microsatellite.
Coding change: c.636_637dup on transcript NM_174934.4 (MANE Select); coding-DNA positions 636 to 637, 2 bases duplicated (GA; older notation c.636_637dupGA).
Protein change: p.Asn213fs; shifts the reading frame from asparagine 213.
Molecular consequence: frameshift variant. On other transcripts: non-coding transcript variant (1).
Genome position (GRCh38, 1-based): chr11:118,137,077-118,137,078, TC duplicated on the plus strand (GA on the coding strand, the reverse complement: SCN4B is on the minus strand); duplicating any 2 consecutive bases within chr11:118,137,077-118,137,080 gives the same sequence; the c. name uses the placement nearest the transcript's 3' end. VCF-style (leftmost placement, unchanged base first): chr11-118137076-T-TTC. GRCh37 (hg19) VCF-style: chr11-118007791-T-TTC.
Other names: c.636_637dupGA (NM_174934.3); c.234_235dup, p.Asn79fs (NM_001142348.2); c.306_307dup, p.Asn103fs (NM_001142349.2); c.634_635GA[3], p.Asn213Argfs (NM_174934.3); short protein forms N103fs, N213fs, N79fs.
Identifiers: ClinVar variation 1913010 (VCV001913010.7), dbSNP rs1265182259, ClinGen allele CA601869714.